The following is an entry in ClinVar:

NM_001365536.1(SCN9A):c.5283G>T (p.Glu1761Asp)

Genes: SCN1A-AS1 (SCN1A and SCN9A antisense RNA 1; plus strand), SCN9A (sodium voltage-gated channel alpha subunit 9; minus strand). Cytogenetic location: 2q24.3.
Variant type: single nucleotide variant.
Coding change: c.5283G>T on transcript NM_001365536.1 (MANE Select); coding-DNA position 5283, G replaced by T.
Protein change: p.Glu1761Asp; replaces glutamic acid 1761 with aspartic acid.
Molecular consequence: missense variant.
Genome position (GRCh38, 1-based): chr2:166,199,356, C>A on the plus strand (G>T on the coding strand, the complement: SCN9A is on the minus strand). VCF-style: chr2-166199356-C-A. GRCh37 (hg19) VCF-style: chr2-167055866-C-A.
Other names: c.5250G>T, p.Glu1750Asp (NM_002977.4); short protein forms E1750D, E1761D.
Identifiers: ClinVar variation 3760598 (VCV003760598.2).

ClinVar aggregate classification (germline): Uncertain significance (1 of 4 stars; one submission).

Conditions:
Neuropathy, hereditary sensory and autonomic, type 2A (HSAN2A). Also called: HSAN IIA; ACROOSTEOLYSIS, GIACCAI TYPE; ACROOSTEOLYSIS, NEUROGENIC; MORVAN DISEASE; NEUROPATHY, CONGENITAL SENSORY; NEUROPATHY, HEREDITARY SENSORY RADICULAR, AUTOSOMAL RECESSIVE. Identifiers: Orphanet 970, MedGen C2752089, MONDO:0024309, OMIM 201300.
Generalized epilepsy with febrile seizures plus, type 7 (GEFSP7). Also called: GEFS+, TYPE 7. Identifiers: Orphanet 36387, MedGen C2751778, MONDO:0013470, OMIM 613863.

gnomAD v4.1: 7 of 1,614,176 alleles (0.00043%); highest among the groups gnomAD compares: Non-Finnish European, 0.00059%; no homozygotes.

Submission:

Labcorp Genetics (formerly Invitae), Labcorp
Classification: Uncertain significance for Neuropathy, hereditary sensory and autonomic, type 2A; Generalized epilepsy with febrile seizures plus, type 7. Last evaluated: 2024-08-13. Review status: criteria provided, single submitter. Criteria: Invitae Variant Classification Sherloc (09022015). Collection method: clinical testing. Allele origin: germline.
Comment: This sequence change replaces glutamic acid, which is acidic and polar, with aspartic acid, which is acidic and polar, at codon 1750 of the SCN9A protein (p.Glu1750Asp). This variant is not present in population databases (gnomAD no frequency). This variant has not been reported in the literature in individuals affected with SCN9A-related conditions. Advanced modeling of protein sequence and biophysical properties (such as structural, functional, and spatial information, amino acid conservation, physicochemical variation, residue mobility, and thermodynamic stability) has been performed at Invitae for this missense variant, however the output from this modeling did not meet the statistical confidence thresholds required to predict the impact of this variant on SCN9A protein function. In summary, the available evidence is currently insufficient to determine the role of this variant in disease. Therefore, it has been classified as a Variant of Uncertain Significance.